The following is an entry in ClinVar:

NM_052874.5(STX1B):c.404del (p.Ala135fs)

Gene: STX1B (syntaxin 1B; minus strand). Cytogenetic location: 16p11.2.
Variant type: Deletion.
Coding change: c.404del on transcript NM_052874.5 (MANE Select); coding-DNA position 404, one base deleted (C; older notation c.404delC).
Protein change: p.Ala135fs; shifts the reading frame from alanine 135.
Molecular consequence: frameshift variant.
Genome position (GRCh38, 1-based): chr16:30,997,010, G deleted on the plus strand (C on the coding strand, the reverse complement: STX1B is on the minus strand). VCF-style (leftmost placement, unchanged base first): chr16-30997009-CG-C. GRCh37 (hg19) VCF-style: chr16-31008330-CG-C.
Other names: c.404del (NM_052874.3); short protein forms A135fs.
Identifiers: ClinVar variation 657728 (VCV000657728.7), dbSNP rs1596716888, ClinGen allele CA915949246.
Genomic context (GRCh38, chr16:30,997,009, plus strand): 5'-ACTGATCTCCAGTTGCCGCTGGATCCGGTCCTTGCAGCGGTCCCGGTACTTGGACTGGGT[CG>C]CGTTATATTCGGTCATTACCTCCACGAACTTCCGGGACAGTGTGGAGTGCTACGGTGGGG-3'

ClinVar aggregate classification (germline): Pathogenic. Review status: criteria provided, multiple submitters, no conflicts (2 of 4 stars). 2 submissions from 2 submitters: Pathogenic (2). Last evaluated 2026-02-14.

Conditions:
Generalized epilepsy with febrile seizures plus, type 9 (GEFSP9). Also called: GEFS+, TYPE 9. Identifiers: Orphanet 36387, MedGen C4015395, MONDO:0014517, OMIM 616172.

Submissions (2):

GeneDx
Classification: Pathogenic. Last evaluated: 2026-02-14. Review status: criteria provided, single submitter. Criteria: GeneDx Variant Classification Process June 2021. Collection method: clinical testing. Allele origin: germline.
Comment: Frameshift variant predicted to result in protein truncation or nonsense mediated decay in a gene for which loss of function is a known mechanism of disease; Observed in an individual with epilepsy in the published literature (PMID: 31440721); Not observed at significant frequency in large population cohorts (gnomAD); This variant is associated with the following publications: (PMID: 31440721)

Labcorp Genetics (formerly Invitae), Labcorp
Classification: Pathogenic for Generalized epilepsy with febrile seizures plus, type 9. Last evaluated: 2018-10-15. Review status: criteria provided, single submitter. Criteria: Invitae Variant Classification Sherloc (09022015). Collection method: clinical testing. Allele origin: germline.
Comment: For these reasons, this variant has been classified as Pathogenic. Loss-of-function variants in STX1B are known to be pathogenic (PMID: 25362483). This variant has not been reported in the literature in individuals with STX1B-related disease. This variant is not present in population databases (ExAC no frequency). This sequence change creates a premature translational stop signal (p.Ala135Glyfs*52) in the STX1B gene. It is expected to result in an absent or disrupted protein product.

Literature cited by the submitters: PubMed 25362483 (cited by Labcorp Genetics (formerly Invitae), Labcorp).